The following is an entry in ClinVar:

NM_032380.5(GFM2):c.178C>A (p.His60Asn)

Gene: GFM2 (GTP dependent ribosome recycling factor mitochondrial 2; minus strand). Cytogenetic location: 5q13.3.
Variant type: single nucleotide variant.
Coding change: c.178C>A on transcript NM_032380.5 (MANE Select); coding-DNA position 178, C replaced by A.
Protein change: p.His60Asn; replaces histidine 60 with asparagine.
Molecular consequence: missense variant. On other transcripts: non-coding transcript variant (1).
Genome position (GRCh38, 1-based): chr5:74,759,397, G>T on the plus strand (C>A on the coding strand, the complement: GFM2 is on the minus strand). VCF-style: chr5-74759397-G-T. GRCh37 (hg19) VCF-style: chr5-74055222-G-T.
Other names: c.274C>A, p.His92Asn (NM_001281302.2); c.178C>A, p.His60Asn (NM_170681.3, NM_170691.3); short protein forms H60N, H92N.
Identifiers: ClinVar variation 377924 (VCV000377924.11), dbSNP rs77099085, ClinGen allele CA3306905.

ClinVar aggregate classification (germline): Benign. Review status: criteria provided, multiple submitters, no conflicts (2 of 4 stars). 3 submissions from 3 submitters: Benign (3). Last evaluated 2025-12-02.

Allele frequency attached by ClinVar (database versions not stated): gnomAD 0.00122 and 0.00198; gnomAD exomes 0.00188 and 0.00454; TOPMed 0.00246; ExAC 0.00469; 1000 Genomes Project 30x 0.01202; 1000 Genomes Project 0.01358.
gnomAD v4.1: 2,921 of 1,535,102 alleles (0.19%); highest among the groups gnomAD compares: East Asian, 5.9%; 87 homozygotes.

Submissions (3):

Labcorp Genetics (formerly Invitae), Labcorp
Classification: Benign. Last evaluated: 2025-12-02. Review status: criteria provided, single submitter. Criteria: Invitae Variant Classification Sherloc (09022015). Collection method: clinical testing. Allele origin: germline.

GeneDx
Classification: Benign. Last evaluated: 2015-04-27. Review status: criteria provided, single submitter. Criteria: GeneDx Variant Classification (06012015). Collection method: clinical testing. Allele origin: germline. Affected: yes.
Comment: This variant is considered likely benign or benign based on one or more of the following criteria: it is a conservative change, it occurs at a poorly conserved position in the protein, it is predicted to be benign by multiple in silico algorithms, and/or has population frequency not consistent with disease.

Breakthrough Genomics
Classification: Benign. Review status: criteria provided, single submitter. Criteria: ACMG Guidelines, 2015. Collection method: not provided. Allele origin: germline. Inheritance: Autosomal recessive inheritance. Affected: yes.